The following is an entry in ClinVar:

ClinVar aggregate classification (germline): Uncertain significance (1 of 4 stars; one submission).

Conditions:
Brugada syndrome 5 (BRGDA5). Identifiers: Orphanet 130, Orphanet 871, MedGen C2748541, MONDO:0013015, OMIM 612838.

Submission:

Labcorp Genetics (formerly Invitae), Labcorp
Classification: Uncertain significance for Brugada syndrome 5. Last evaluated: 2022-02-25. Review status: criteria provided, single submitter. Criteria: Invitae Variant Classification Sherloc (09022015). Collection method: clinical testing. Allele origin: germline.
Comment: This sequence change replaces isoleucine, which is neutral and non-polar, with threonine, which is neutral and polar, at codon 144 of the SCN1B protein (p.Ile144Thr). This variant is not present in population databases (gnomAD no frequency). This variant has not been reported in the literature in individuals affected with SCN1B-related conditions. Algorithms developed to predict the effect of missense changes on protein structure and function (SIFT, PolyPhen-2, Align-GVGD) all suggest that this variant is likely to be disruptive. In summary, the available evidence is currently insufficient to determine the role of this variant in disease. Therefore, it has been classified as a Variant of Uncertain Significance.

NM_001037.5(SCN1B):c.431T>C (p.Ile144Thr)

Gene: SCN1B (sodium voltage-gated channel beta subunit 1; plus strand). Cytogenetic location: 19q13.11.
Variant type: single nucleotide variant.
Coding change: c.431T>C on transcript NM_001037.5 (MANE Select); coding-DNA position 431, T replaced by C.
Protein change: p.Ile144Thr; replaces isoleucine 144 with threonine.
Molecular consequence: missense variant.
Genome position (GRCh38, 1-based): chr19:35,033,722, T>C. VCF-style: chr19-35033722-T-C. GRCh37 (hg19) VCF-style: chr19-35524626-T-C.
Other names: c.332T>C, p.Ile111Thr (NM_001321605.2); c.431T>C, p.Ile144Thr (NM_199037.5); short protein forms I144T, I111T.
Identifiers: ClinVar variation 2090841 (VCV002090841.4), dbSNP rs2514234748, ClinGen allele CA405329031.
Genomic context (GRCh38, chr19:35,033,722, plus strand): 5'-ACCGCCTGCTCTTCTTCGAAAACTACGAGCACAACACCAGCGTCGTCAAGAAGATCCACA[T>C]TGAGGTAGTGGACAAAGGTGAGTCGGGTGCTGCCTGCCCCTTTACCGTCACCCACCGGAG-3'
Protein context (NP_001028.1, residues 134-154): HNTSVVKKIH[Ile144Thr]EVVDKANRDM